The following is an entry in ClinVar:

NM_000111.3(SLC26A3):c.536C>T (p.Ala179Val)

Gene: SLC26A3 (solute carrier family 26 member 3; minus strand). Cytogenetic location: 7q22.3.
Variant type: single nucleotide variant.
Coding change: c.536C>T on transcript NM_000111.3 (MANE Select); coding-DNA position 536, C replaced by T.
Protein change: p.Ala179Val; replaces alanine 179 with valine.
Molecular consequence: missense variant.
Genome position (GRCh38, 1-based): chr7:107,791,082, G>A on the plus strand (C>T on the coding strand, the complement: SLC26A3 is on the minus strand). VCF-style: chr7-107791082-G-A. GRCh37 (hg19) VCF-style: chr7-107431527-G-A.
Other names: short protein forms A179V.
Identifiers: ClinVar variation 1497766 (VCV001497766.5), dbSNP rs772151477, ClinGen allele CA4434100.

ClinVar aggregate classification (germline): Uncertain significance (1 of 4 stars; one submission).

Allele frequency attached by ClinVar (database versions not stated): ExAC 0.00003; gnomAD exomes 0.00003 and 0.00005; gnomAD 0.00004; TOPMed 0.00004.
gnomAD v4.1: 53 of 1,613,960 alleles (0.0033%); highest among the groups gnomAD compares: East Asian, 0.0067%; no homozygotes.

Submission:

Labcorp Genetics (formerly Invitae), Labcorp
Classification: Uncertain significance. Last evaluated: 2022-03-19. Review status: criteria provided, single submitter. Criteria: Invitae Variant Classification Sherloc (09022015). Collection method: clinical testing. Allele origin: germline.
Comment: This sequence change replaces alanine, which is neutral and non-polar, with valine, which is neutral and non-polar, at codon 179 of the SLC26A3 protein (p.Ala179Val). This variant is present in population databases (rs772151477, gnomAD 0.01%). This variant has not been reported in the literature in individuals affected with SLC26A3-related conditions. Algorithms developed to predict the effect of missense changes on protein structure and function are either unavailable or do not agree on the potential impact of this missense change (SIFT: "Tolerated"; PolyPhen-2: "Probably Damaging"; Align-GVGD: "Class C0"). In summary, the available evidence is currently insufficient to determine the role of this variant in disease. Therefore, it has been classified as a Variant of Uncertain Significance.